The following is an entry in ClinVar:

NM_006031.6(PCNT):c.6915G>A (p.Thr2305=)

Gene: PCNT (pericentrin; plus strand). Cytogenetic location: 21q22.3.
Variant type: single nucleotide variant.
Coding change: c.6915G>A on transcript NM_006031.6 (MANE Select); coding-DNA position 6915, G replaced by A.
Protein change: p.Thr2305=; no amino-acid change (threonine 2305 retained).
Molecular consequence: synonymous variant.
Genome position (GRCh38, 1-based): chr21:46,416,833, G>A. VCF-style: chr21-46416833-G-A. GRCh37 (hg19) VCF-style: chr21-47836747-G-A.
Other names: c.6915G>A (NM_006031.5); c.6561G>A, p.Thr2187= (NM_001315529.2).
Identifiers: ClinVar variation 2896258 (VCV002896258.5), dbSNP rs780544143, ClinGen allele CA10080440.

ClinVar aggregate classification (germline): Likely benign. Review status: criteria provided, multiple submitters, no conflicts (2 of 4 stars). 3 submissions from 3 submitters: Likely benign (2). 1 of the submissions does not count toward it. Last evaluated 2026-07-01.

Conditions:
PCNT-related disorder. Also called: PCNT-related condition.

Allele frequency attached by ClinVar (database versions not stated): gnomAD 0.00001; gnomAD exomes 0.00001; TOPMed 0.00002; ExAC 0.00005.
gnomAD v4.1: 14 of 1,597,548 alleles (0.00088%); highest among the groups gnomAD compares: Admixed American, 0.012%; no homozygotes.

Submissions (3):

CeGaT Center for Human Genetics Tuebingen
Classification: Likely benign. Last evaluated: 2026-07-01. Review status: criteria provided, single submitter. Criteria: CeGaT Center For Human Genetics Tuebingen Variant Classification Criteria Version 2. Collection method: clinical testing. Allele origin: germline. Affected: yes. Observed: 1 variant allele.
Comment: PCNT: BP4, BP7

Labcorp Genetics (formerly Invitae), Labcorp
Classification: Likely benign. Last evaluated: 2024-02-22. Review status: criteria provided, single submitter. Criteria: Invitae Variant Classification Sherloc (09022015). Collection method: clinical testing. Allele origin: germline.

PreventionGenetics, part of Exact Sciences
Classification: Likely benign for PCNT-related condition. Last evaluated: 2024-03-05. Review status: no assertion criteria provided. Collection method: clinical testing. Allele origin: germline. Not counted in ClinVar's aggregate classification.
Comment: This variant is classified as likely benign based on ACMG/AMP sequence variant interpretation guidelines (Richards et al. 2015 PMID: 25741868, with internal and published modifications).